The following is an entry in ClinVar:

NM_003052.5(SLC34A1):c.778_809delinsAGC (p.Gly260fs)

Gene: SLC34A1 (solute carrier family 34 member 1; plus strand). Cytogenetic location: 5q35.3.
Variant type: Indel.
Coding change: c.778_809delinsAGC on transcript NM_003052.5 (MANE Select); coding-DNA positions 778 to 809, the reference bases replaced by AGC.
Protein change: p.Gly260fs; shifts the reading frame from glycine 260.
Molecular consequence: frameshift variant.
Genome position (GRCh38, 1-based): chr5:177,388,127-177,388,158, 32 bases replaced. GRCh37 (hg19): chr5:176,815,128-176,815,159.
Other names: c.778_809delinsAGC, p.Gly260fs (NM_001167579.2); short protein forms G260fs.
Identifiers: ClinVar variation 3347516 (VCV003347516.2).

ClinVar aggregate classification (germline): Likely pathogenic. Review status: criteria provided, single submitter (1 of 4 stars). 2 submissions from 2 submitters: Likely pathogenic (1). 1 of the submissions does not count toward it. Last evaluated 2024-04-25.

Conditions:
Hypophosphatemic nephrolithiasis/osteoporosis 1. Identifiers: Orphanet 244305, MedGen C2676786, MONDO:0012850, OMIM 612286.
Fanconi renotubular syndrome 2 (FRTS2). Identifiers: MedGen C3150652, MONDO:0013247, OMIM 613388.
Hypercalcemia, infantile, 2 (HCINF2). Identifiers: Orphanet 300547, MedGen C4310473, MONDO:0014851, OMIM 616963.
SLC34A1-related disorder. Also called: SLC34A1-related disorders; SLC34A1-related condition.

Submissions (2):

Fulgent Genetics
Classification: Likely pathogenic for Hypophosphatemic nephrolithiasis/osteoporosis 1; Fanconi renotubular syndrome 2; Hypercalcemia, infantile, 2. Last evaluated: 2024-04-25. Review status: criteria provided, single submitter. Criteria: ACMG Guidelines, 2015. Collection method: clinical testing. Allele origin: germline.

PreventionGenetics, part of Exact Sciences
Classification: Likely pathogenic for SLC34A1-related condition. Last evaluated: 2024-03-27. Review status: no assertion criteria provided. Collection method: clinical testing. Allele origin: germline. Not counted in ClinVar's aggregate classification.
Comment: The SLC34A1 c.778_809delinsAGC variant is predicted to result in a frameshift and premature protein termination (p.Gly260Serfs*24). To our knowledge, this variant has not been reported in the literature or in a large population database, indicating this variant is rare. Frameshift variants in SLC34A1 are expected to be pathogenic. This variant is interpreted as likely pathogenic.